The following is an entry in ClinVar:

NM_003801.4(GPAA1):c.732G>T (p.Gly244=)

Gene: GPAA1 (glycosylphosphatidylinositol anchor attachment 1; plus strand). Cytogenetic location: 8q24.3.
Variant type: single nucleotide variant.
Coding change: c.732G>T on transcript NM_003801.4 (MANE Select); coding-DNA position 732, G replaced by T.
Protein change: p.Gly244=; no amino-acid change (glycine 244 retained).
Molecular consequence: synonymous variant.
Genome position (GRCh38, 1-based): chr8:144,084,249, G>T. VCF-style: chr8-144084249-G-T. GRCh37 (hg19) VCF-style: chr8-145139152-G-T.
Identifiers: ClinVar variation 2010590 (VCV002010590.4), dbSNP rs1554764005, ClinGen allele CA463540981.

ClinVar aggregate classification (germline): Uncertain significance (1 of 4 stars; one submission).

gnomAD v4.1: 1 of 1,613,808 alleles (0.000062%); highest among the groups gnomAD compares: Admixed American, 0.0017%; no homozygotes.

Submission:

Labcorp Genetics (formerly Invitae), Labcorp
Classification: Uncertain significance. Last evaluated: 2021-11-28. Review status: criteria provided, single submitter. Criteria: Invitae Variant Classification Sherloc (09022015). Collection method: clinical testing. Allele origin: germline.
Comment: In summary, the available evidence is currently insufficient to determine the role of this variant in disease. Therefore, it has been classified as a Variant of Uncertain Significance. Algorithms developed to predict the effect of sequence changes on RNA splicing suggest that this variant may create or strengthen a splice site. This variant has not been reported in the literature in individuals affected with GPAA1-related conditions. This variant is present in population databases (no rsID available, gnomAD 0.003%). This sequence change affects codon 244 of the GPAA1 mRNA. It is a 'silent' change, meaning that it does not change the encoded amino acid sequence of the GPAA1 protein.